The following is an entry in ClinVar:

NM_032776.3(JMJD1C):c.2555C>T (p.Ala852Val)

Gene: JMJD1C (jumonji domain containing 1C; minus strand). Cytogenetic location: 10q21.3.
Variant type: single nucleotide variant.
Coding change: c.2555C>T on transcript NM_032776.3 (MANE Select); coding-DNA position 2555, C replaced by T.
Protein change: p.Ala852Val; replaces alanine 852 with valine.
Molecular consequence: missense variant. On other transcripts: non-coding transcript variant (1).
Genome position (GRCh38, 1-based): chr10:63,213,612, G>A on the plus strand (C>T on the coding strand, the complement: JMJD1C is on the minus strand). VCF-style: chr10-63213612-G-A. GRCh37 (hg19) VCF-style: chr10-64973372-G-A.
Other names: c.2009C>T, p.Ala670Val (NM_001282948.2, NM_001318154.2); c.1691C>T, p.Ala564Val (NM_001318153.2); c.2441C>T, p.Ala814Val (NM_001322252.2); c.1898C>T, p.Ala633Val (NM_001322254.2, NM_001322258.2); short protein forms A633V, A670V, A814V, A852V, A564V.
Identifiers: ClinVar variation 651902 (VCV000651902.8), dbSNP rs1589165050, ClinGen allele CA377044856.

ClinVar aggregate classification (germline): Uncertain significance (1 of 4 stars; one submission).

Conditions:
Early Myoclonic Encephalopathy. Identifiers: MedGen C0270855.

Submission:

Labcorp Genetics (formerly Invitae), Labcorp
Classification: Uncertain significance for Early Myoclonic Encephalopathy. Last evaluated: 2018-10-25. Review status: criteria provided, single submitter. Criteria: Invitae Variant Classification Sherloc (09022015). Collection method: clinical testing. Allele origin: germline.
Comment: This sequence change replaces alanine with valine at codon 852 of the JMJD1C protein (p.Ala852Val). The alanine residue is moderately conserved and there is a small physicochemical difference between alanine and valine. This variant is not present in population databases (ExAC no frequency). Algorithms developed to predict the effect of missense changes on protein structure and function are either unavailable or do not agree on the potential impact of this missense change (SIFT: "Deleterious"; PolyPhen-2: "Possibly Damaging"; Align-GVGD: "Class C0"). In summary, the available evidence is currently insufficient to determine the role of this variant in disease. Therefore, it has been classified as a Variant of Uncertain Significance. This variant has not been reported in the literature in individuals with JMJD1C-related disease.